The following is an entry in ClinVar:

ClinVar aggregate classification (germline): Uncertain significance. Review status: criteria provided, multiple submitters, no conflicts (2 of 4 stars). 3 submissions from 3 submitters: Uncertain significance (3). Last evaluated 2024-09-19.

Conditions:
Obesity. Also called: Obesity disorder. Identifiers: Orphanet 71529, MedGen C0028754, MeSH D009765, MONDO:0011122, HP:0001513.
Inborn genetic diseases. Identifiers: MedGen C0950123, MeSH D030342.

Allele frequency attached by ClinVar (database versions not stated): gnomAD exomes 0.00001; TOPMed 0.00001.
gnomAD v4.1: 7 of 1,467,628 alleles (0.00048%); highest among the groups gnomAD compares: Non-Finnish European, 0.00063%; no homozygotes.

Submissions (3):

Greenwood Genetic Center Diagnostic Laboratories, Greenwood Genetic Center
Classification: Uncertain significance. Last evaluated: 2024-09-19. Review status: criteria provided, single submitter. Criteria: ACMG Guidelines, 2015. Collection method: clinical testing. Allele origin: germline. Affected: yes.
Comment: PP3

Ambry Genetics
Classification: Uncertain significance for Inborn genetic diseases. Last evaluated: 2021-08-30. Review status: criteria provided, single submitter. Criteria: Ambry Variant Classification Scheme 2023. Collection method: clinical testing. Allele origin: germline.

Cambridge Genomics Laboratory, East Genomic Laboratory Hub, NHS Genomic Medicine Service
Classification: Uncertain significance for Obesity. Last evaluated: 2019-05-02. Review status: criteria provided, single submitter. Criteria: ACGS Best Practice Guidelines for Variant Classification in Rare Disease 2020. Collection method: clinical testing. Allele origin: germline. Affected: yes. Observed: 1 variant allele.

NM_000193.4(SHH):c.1114T>C (p.Trp372Arg)

Gene: SHH (sonic hedgehog signaling molecule; minus strand). Cytogenetic location: 7q36.3.
Variant type: single nucleotide variant.
Coding change: c.1114T>C on transcript NM_000193.4 (MANE Select); coding-DNA position 1114, T replaced by C.
Protein change: p.Trp372Arg; replaces tryptophan 372 with arginine.
Molecular consequence: missense variant. On other transcripts: intron variant (1).
Genome position (GRCh38, 1-based): chr7:155,803,175, A>G on the plus strand (T>C on the coding strand, the complement: SHH is on the minus strand). VCF-style: chr7-155803175-A-G. GRCh37 (hg19) VCF-style: chr7-155595869-A-G.
Other names: c.302-2930T>C (NM_001310462.2); short protein forms W372R.
Identifiers: ClinVar variation 2399269 (VCV002399269.4), dbSNP rs1265911355, ClinGen allele CA370145055.